The following is an entry in ClinVar:

NM_001276270.2(MBD4):c.340C>T (p.Gln114Ter)

Gene: MBD4 (methyl-CpG binding domain 4, DNA glycosylase; minus strand). Cytogenetic location: 3q21.3.
Variant type: single nucleotide variant.
Coding change: c.340C>T on transcript NM_001276270.2 (MANE Select); coding-DNA position 340, C replaced by T.
Protein change: p.Gln114Ter; replaces glutamine 114 with a stop codon.
Molecular consequence: nonsense. On other transcripts: intron variant (1).
Genome position (GRCh38, 1-based): chr3:129,437,304, G>A on the plus strand (C>T on the coding strand, the complement: MBD4 is on the minus strand). VCF-style: chr3-129437304-G-A. GRCh37 (hg19) VCF-style: chr3-129156147-G-A.
Other names: c.340C>T, p.Gln114Ter (NM_001276271.2, NM_001276272.2, NM_003925.3); c.247+504C>T (NM_001276273.2); short protein forms Q114*.
Identifiers: ClinVar variation 4856736 (VCV004856736.1).
Genomic context (GRCh38, chr3:129,437,304, plus strand): 5'-TCTCTCCATTTTTGTGAAGATAATTAGCAAGTGAACTTTTGGATCTGAACTTCAGTCCTT[G>A]TGGGCTAGAAAATGATATTAAAGGAAACTTACTGCTAGTAAATAGAAGGGACTTTTAAAA-3'

ClinVar aggregate classification (germline): Pathogenic (1 of 4 stars; one submission).

Conditions:
Tumor predisposition syndrome 2 (TPDS2). Also called: MBD4-ASSOCIATED NEOPLASIA SYNDROME; MBD4-Related Tumor Predisposition Syndrome; MBD4-associated neoplasia syndrome (MANS). Identifiers: Orphanet 661526, MedGen C5774186, MONDO:0859267, OMIM 619975.

Submission:

Myriad Genetics, Inc.
Classification: Pathogenic for Tumor predisposition syndrome 2. Last evaluated: 2026-02-10. Review status: criteria provided, single submitter. Criteria: Myriad Autosomal Dominant, Autosomal Recessive and X-Linked Classification Criteria (2023). Collection method: clinical testing. Allele origin: unknown.
Comment: This variant is considered pathogenic. This variant creates a termination codon and is predicted to result in premature protein truncation.